The following is an entry in ClinVar:

ClinVar aggregate classification (germline): Uncertain significance (1 of 4 stars; one submission).

Conditions:
Cardiovascular phenotype. Identifiers: MedGen CN230736.

Submission:

Ambry Genetics
Classification: Uncertain significance for Cardiovascular phenotype. Last evaluated: 2026-09-06. Review status: criteria provided, single submitter. Criteria: Ambry Variant Classification Scheme 2023. Collection method: clinical testing. Allele origin: germline.
Comment: The p.I363M variant (also known as c.1089A>G), located in coding exon 5 of the KCNH2 gene, results from an A to G substitution at nucleotide position 1089. The isoleucine at codon 363 is replaced by methionine, an amino acid with highly similar properties. This amino acid position is conserved. In addition, the in silico prediction for this alteration is inconclusive. Based on the available evidence, the clinical significance of this variant remains unclear.

NM_000238.4(KCNH2):c.1089A>G (p.Ile363Met)

Gene: KCNH2 (potassium voltage-gated channel subfamily H member 2; minus strand). Cytogenetic location: 7q36.1.
Variant type: single nucleotide variant.
Coding change: c.1089A>G on transcript NM_000238.4 (MANE Select); coding-DNA position 1089, A replaced by G.
Protein change: p.Ile363Met; replaces isoleucine 363 with methionine.
Molecular consequence: missense variant. On other transcripts: non-coding transcript variant (1).
Genome position (GRCh38, 1-based): chr7:150,957,330, T>C on the plus strand (A>G on the coding strand, the complement: KCNH2 is on the minus strand). VCF-style: chr7-150957330-T-C. GRCh37 (hg19) VCF-style: chr7-150654418-T-C.
Other names: c.801A>G, p.Ile267Met (NM_001406753.1, NM_001406756.1); c.912A>G, p.Ile304Met (NM_001406755.1); c.789A>G, p.Ile263Met (NM_001406757.1); c.1089A>G, p.Ile363Met (NM_172056.3); short protein forms I263M, I304M, I267M, I363M.
Identifiers: ClinVar variation 5022989 (VCV005022989.1).